The following is an entry in ClinVar:

ClinVar aggregate classification (germline): Uncertain significance. Review status: criteria provided, multiple submitters, no conflicts (2 of 4 stars). 2 submissions from 2 submitters: Uncertain significance (2). Last evaluated 2025-05-18.

Allele frequency attached by ClinVar (database versions not stated): gnomAD 0.00004; gnomAD exomes 0.00005; ExAC 0.00001; TOPMed 0.00002.

Submissions (2):

Ambry Genetics
Classification: Uncertain significance. Last evaluated: 2025-05-18. Review status: criteria provided, single submitter. Criteria: Ambry Variant Classification Scheme 2023. Collection method: clinical testing. Allele origin: germline.

Women's Health and Genetics/Laboratory Corporation of America, LabCorp
Classification: Uncertain significance. Last evaluated: 2022-12-08. Review status: criteria provided, single submitter. Criteria: LabCorp Variant Classification Summary - May 2015. Collection method: clinical testing. Allele origin: germline.
Comment: Variant summary: IRF3 c.286C>T (p.Arg96Trp) results in a non-conservative amino acid change located in the DNA-binding domain (IPR001346) of the encoded protein sequence. Four of five in-silico tools predict a damaging effect of the variant on protein function. The variant allele was found at a frequency of 2e-05 in 251450 control chromosomes (gnomAD). The available data on variant occurrences in the general population are insufficient to allow any conclusion about variant significance. To our knowledge, no occurrence of c.286C>T in individuals affected with suseptibility to Herpes Simplex Encephalitis and no experimental evidence demonstrating its impact on protein function have been reported. No clinical diagnostic laboratories have submitted clinical-significance assessments for this variant to ClinVar after 2014. Based on the evidence outlined above, the variant was classified as uncertain significance.

NM_001571.6(IRF3):c.286C>T (p.Arg96Trp)

Gene: IRF3 (interferon regulatory factor 3; minus strand). Cytogenetic location: 19q13.33.
Variant type: single nucleotide variant.
Coding change: c.286C>T on transcript NM_001571.6 (MANE Select); coding-DNA position 286, C replaced by T.
Protein change: p.Arg96Trp; replaces arginine 96 with tryptophan.
Molecular consequence: missense variant. On other transcripts: 5 prime UTR variant (2), non-coding transcript variant (1), intron variant (2).
Genome position (GRCh38, 1-based): chr19:49,663,394, G>A on the plus strand (C>T on the coding strand, the complement: IRF3 is on the minus strand). VCF-style: chr19-49663394-G-A. GRCh37 (hg19) VCF-style: chr19-50166651-G-A.
Other names: c.286C>T, p.Arg96Trp (NM_001197122.2, NM_001197124.2); c.181C>T, p.Arg61Trp (NM_001197123.2); c.-153C>T (NM_001197125.2, NM_001197127.2); c.-101-136C>T (NM_001197128.2, NM_001197126.2); c.286C>T (NM_001197122.1); short protein forms R96W, R61W.
Identifiers: ClinVar variation 1878248 (VCV001878248.2), dbSNP rs772522569, ClinGen allele CA9580485.